The following is an entry in ClinVar:

ClinVar aggregate classification (germline): Uncertain significance (1 of 4 stars; one submission).

Conditions:
Cardiovascular phenotype. Identifiers: MedGen CN230736.

Submission:

Ambry Genetics
Classification: Uncertain significance for Cardiovascular phenotype. Last evaluated: 2019-10-29. Review status: criteria provided, single submitter. Criteria: Ambry Variant Classification Scheme 2023. Collection method: clinical testing. Allele origin: germline.
Comment: The c.19173_19175delTGA variant (also known as p.D6391del) is located in coding exon 76 of the TTN gene. This variant results from an in-frame TGA deletion at nucleotide positions 19173 to 19175. This results in the in-frame deletion of an aspartic acid at codon 6391. This amino acid position is highly conserved in available vertebrate species. In addition, this alteration is predicted to be deleterious by in silico analysis (Choi Y et al. PLoS ONE. 2012; 7(10):e46688). Since supporting evidence is limited at this time, the clinical significance of this alteration remains unclear.

NM_001267550.2(TTN):c.46365TGA[1] (p.Asp15456del)

Genes: TTN (titin; minus strand), TTN-AS1 (TTN antisense RNA 1; plus strand). Cytogenetic location: 2q31.2.
Variant type: Microsatellite.
Coding change: c.46365TGA[1] on transcript NM_001267550.2 (MANE Select); one copy of the 3-base unit TGA starting at c.46365; the reference has two copies in a row; one copy, 3 bases deleted.
Protein change: p.Asp15456del; deletes aspartic acid 15456.
Molecular consequence: inframe deletion. On other transcripts: non-coding transcript variant (1).
Genome position (GRCh38, 1-based): chr2:178,620,047-178,620,049, TCA deleted on the plus strand (TGA on the coding strand, the reverse complement: TTN is on the minus strand); deleting any 3 consecutive bases within chr2:178,620,047-178,620,054 gives the same sequence; the position shown is the placement nearest the transcript's 3' end. VCF-style (leftmost placement, unchanged base first): chr2-178620046-CTCA-C. GRCh37 (hg19) VCF-style: chr2-179484773-CTCA-C.
Other names: c.41442TGA[1], p.Asp13815del (NM_001256850.1); c.19170TGA[1], p.Asp6391del (NM_003319.4); c.38661TGA[1], p.Asp12888del (NM_133378.4); c.19545TGA[1], p.Asp6516del (NM_133432.3); c.19746TGA[1], p.Asp6583del (NM_133437.4); c.19173_19175delTGA (NM_003319.4); short protein forms D12888del, D13815del, D6391del, D6583del, D15456del, D6516del.
Identifiers: ClinVar variation 1782593 (VCV001782593.2), dbSNP rs754323171, ClinGen allele CA2580614518.
Genomic context (GRCh38, chr2:178,620,046, plus strand): 5'-ACCTTCCACAAAAAGTCTAGCACGAGACTTCCTGTCTTCTACCCCGCAAGCATATTCACA[CTCA>C]TCATCCAGCCTGCAATCTTTTATAATGAGTCTGTGTATACTTCCATCTTTTTCAAATTTG-3'